The following is an entry in ClinVar:

NM_006348.5(COG5):c.2T>G (p.Met1Arg)

Gene: COG5 (component of oligomeric golgi complex 5; minus strand). Cytogenetic location: 7q22.3.
Variant type: single nucleotide variant.
Coding change: c.2T>G on transcript NM_006348.5 (MANE Select); coding-DNA position 2, T replaced by G.
Protein change: p.Met1Arg; changes the start codon (methionine 1).
Molecular consequence: missense variant, initiator codon variant.
Genome position (GRCh38, 1-based): chr7:107,563,895, A>C on the plus strand (T>G on the coding strand, the complement: COG5 is on the minus strand). VCF-style: chr7-107563895-A-C. GRCh37 (hg19) VCF-style: chr7-107204340-A-C.
Other names: M32R; c.2T>G, p.Met1Arg (NM_001161520.2, NM_001379511.1, NM_001379512.1 and 5 more transcripts); short protein forms M1R.
Identifiers: ClinVar variation 932926 (VCV000932926.8), dbSNP rs375702393, ClinGen allele CA4431595.

ClinVar aggregate classification (germline): Pathogenic/Likely pathogenic. Review status: criteria provided, multiple submitters, no conflicts (2 of 4 stars). 4 submissions from 4 submitters: Pathogenic (2); Likely pathogenic (1). 1 of the submissions does not count toward it. Last evaluated 2022-03-17.

Conditions:
COG5-congenital disorder of glycosylation. Also called: CDG IIi; COG5-CDG; CONGENITAL DISORDER OF GLYCOSYLATION, TYPE IIi. Identifiers: Orphanet 263487, MedGen C3150876, MONDO:0013325, OMIM 613612.
COG5-related disorders.

Allele frequency attached by ClinVar (database versions not stated): TOPMed 0.00001.

Submissions (4):

Blueprint Genetics
Classification: Pathogenic for COG5-related disorders. Last evaluated: 2022-03-17. Review status: criteria provided, single submitter. Criteria: ACMG Guidelines, 2015. Collection method: clinical testing. Allele origin: germline. Affected: yes. Observed: 2 variant alleles.

Fulgent Genetics
Classification: Likely pathogenic for COG5-congenital disorder of glycosylation. Last evaluated: 2022-03-04. Review status: criteria provided, single submitter. Criteria: ACMG Guidelines, 2015. Collection method: clinical testing. Allele origin: unknown.

Labcorp Genetics (formerly Invitae), Labcorp
Classification: Pathogenic for COG5-congenital disorder of glycosylation. Last evaluated: 2022-01-18. Review status: criteria provided, single submitter. Criteria: Invitae Variant Classification Sherloc (09022015). Collection method: clinical testing. Allele origin: germline.
Comment: For these reasons, this variant has been classified as Pathogenic. Algorithms developed to predict the effect of sequence changes on RNA splicing suggest that this variant may create or strengthen a splice site. Algorithms developed to predict the effect of missense changes on protein structure and function are either unavailable or do not agree on the potential impact of this missense change (SIFT: "Deleterious"; PolyPhen-2: "Benign"; Align-GVGD: "Class C0"). ClinVar contains an entry for this variant (Variation ID: 932926). This missense change has been observed in individual(s) with clinical features of COG5-congenital disorder of glycosylation (PMID: 23228021, 33277529). It has also been observed to segregate with disease in related individuals. This variant is present in population databases (rs375702393, gnomAD 0.02%). This sequence change replaces methionine, which is neutral and non-polar, with arginine, which is basic and polar, at codon 32 of the COG5 protein (p.Met32Arg).

OMIM
Classification: Pathogenic for CONGENITAL DISORDER OF GLYCOSYLATION, TYPE IIi. Last evaluated: 2020-07-07. Review status: no assertion criteria provided. Collection method: literature only. Allele origin: germline. Not counted in ClinVar's aggregate classification.

Literature cited by the submitters: PubMed 23228021 (cited by Labcorp Genetics (formerly Invitae), Labcorp and OMIM); PubMed 33277529 (cited by Labcorp Genetics (formerly Invitae), Labcorp).